The following is an entry in ClinVar:

ClinVar aggregate classification (germline): Pathogenic (1 of 4 stars; one submission).

Conditions:
Cone-rod dystrophy 13 (CORD13). Identifiers: Orphanet 1872, MedGen C2750720, MONDO:0011987, OMIM 608194.
Leber congenital amaurosis 6 (LCA6). Identifiers: Orphanet 65, MedGen C1854260, MONDO:0013446, OMIM 613826.

Submission:

Labcorp Genetics (formerly Invitae), Labcorp
Classification: Pathogenic for Leber congenital amaurosis 6; Cone-rod dystrophy 13. Last evaluated: 2022-03-18. Review status: criteria provided, single submitter. Criteria: Invitae Variant Classification Sherloc (09022015). Collection method: clinical testing. Allele origin: germline.
Comment: For these reasons, this variant has been classified as Pathogenic. This variant has not been reported in the literature in individuals affected with RPGRIP1-related conditions. A gross deletion of the genomic region encompassing the full coding sequence of the RPGRIP1 gene has been identified. Loss-of-function variants in RPGRIP1 are known to be pathogenic (PMID: 11528500, 23105016). The boundaries of this event are unknown as they extend beyond the assayed region for this gene and therefore may encompass additional genes.

Literature cited by the submitters: PubMed 11528500; PubMed 23105016.

NC_000014.8:g.(?_21756136)_(22005055_?)del

Genes: CHD8 (chromodomain helicase DNA binding protein 8; minus strand), SALL2 (spalt like transcription factor 2; minus strand), RPGRIP1 (RPGR interacting protein 1; plus strand), SUPT16H (SPT16 homolog, facilitates chromatin remodeling subunit; minus strand), METTL3 (methyltransferase 3, N6-adenosine-methyltransferase complex catalytic subunit; minus strand) and 2 more. Cytogenetic location: 14q11.2.
Variant type: Deletion.
Identifiers: ClinVar variation 1075073 (VCV001075073.6).